The following is an entry in ClinVar:

ClinVar aggregate classification (germline): Benign/Likely benign. Review status: criteria provided, multiple submitters, no conflicts (2 of 4 stars). 4 submissions from 4 submitters: Benign (1); Likely benign (2). 1 of the submissions does not count toward it. Last evaluated 2025-08-05.

Conditions:
Autosomal dominant childhood-onset proximal spinal muscular atrophy with contractures (SMALED2A). Also called: SPINAL MUSCULAR ATROPHY, LOWER EXTREMITY-PREDOMINANT, 2A, CHILDHOOD ONSET, AUTOSOMAL DOMINANT; Spinal muscular atrophy, lower extremity-predominant, 2A, autosomal dominant. Identifiers: Orphanet 363447, Orphanet 363454, MedGen C4747715, MONDO:0014121, OMIM 615290.
Inborn genetic diseases. Identifiers: MedGen C0950123, MeSH D030342.
BICD2-related disorder. Also called: BICD2-related condition.

Allele frequency attached by ClinVar (database versions not stated): gnomAD exomes 0.00006 and 0.00021; ExAC 0.00026; 1000 Genomes Project 0.00060; 1000 Genomes Project 30x 0.00078; gnomAD 0.00081 and 0.00086; TOPMed 0.00089; ESP Exome Variant Server 0.00115.
gnomAD v4.1: 223 of 1,614,218 alleles (0.014%); highest among the groups gnomAD compares: African/African-American, 0.27%; 1 homozygote.

Submissions (4):

Labcorp Genetics (formerly Invitae), Labcorp
Classification: Benign for Autosomal dominant childhood-onset proximal spinal muscular atrophy with contractures. Last evaluated: 2025-08-05. Review status: criteria provided, single submitter. Criteria: Invitae Variant Classification Sherloc (09022015). Collection method: clinical testing. Allele origin: germline.

Ambry Genetics
Classification: Likely benign for Inborn genetic diseases. Last evaluated: 2019-07-11. Review status: criteria provided, single submitter. Criteria: Ambry Variant Classification Scheme 2023. Collection method: clinical testing. Allele origin: germline.

GeneDx
Classification: Likely benign. Last evaluated: 2018-04-20. Review status: criteria provided, single submitter. Criteria: GeneDx Variant Classification Process June 2021. Collection method: clinical testing. Allele origin: germline. Affected: yes.

PreventionGenetics, part of Exact Sciences
Classification: Likely benign for BICD2-related condition. Last evaluated: 2019-08-21. Review status: no assertion criteria provided. Collection method: clinical testing. Allele origin: germline. Not counted in ClinVar's aggregate classification.
Comment: This variant is classified as likely benign based on ACMG/AMP sequence variant interpretation guidelines (Richards et al. 2015 PMID: 25741868, with internal and published modifications).

NM_001003800.2(BICD2):c.813C>T (p.Phe271=)

Gene: BICD2 (BICD cargo adaptor 2; minus strand). Cytogenetic location: 9q22.31.
Variant type: single nucleotide variant.
Coding change: c.813C>T on transcript NM_001003800.2 (MANE Select); coding-DNA position 813, C replaced by T.
Protein change: p.Phe271=; no amino-acid change (phenylalanine 271 retained).
Molecular consequence: synonymous variant.
Genome position (GRCh38, 1-based): chr9:92,720,549, G>A on the plus strand (C>T on the coding strand, the complement: BICD2 is on the minus strand). VCF-style: chr9-92720549-G-A. GRCh37 (hg19) VCF-style: chr9-95482831-G-A.
Other names: c.813C>T, p.Phe271= (NM_015250.4).
Identifiers: ClinVar variation 508192 (VCV000508192.18), dbSNP rs150389188, ClinGen allele CA5126717.
Genomic context (GRCh38, chr9:92,720,549, plus strand): 5'-CTCGGCAGCATCGTCACTGAACTTGAGGCCATCCAGCGAGACATGCAGGTGGCTGGTGTA[G>A]AAGGAGTCATTGATGCTCATGTAGTGTGACAGCTCCTTGCGCAGGCTGTTCTTCTGTTCG-3'
Protein context (NP_001003800.1, residues 261-281): LSHYMSINDS[Phe271=]YTSHLHVSLD